The following is an entry in ClinVar:

ClinVar aggregate classification (germline): Conflicting classifications of pathogenicity. Review status: criteria provided, conflicting classifications (1 of 4 stars). 3 submissions from 3 submitters: Likely pathogenic (1); Uncertain significance (2). Last evaluated 2025-05-23.

Conditions:
Hereditary cancer-predisposing syndrome. Also called: Hereditary Cancer Syndrome; Neoplastic Syndromes, Hereditary; Tumor predisposition; Hereditary neoplastic syndrome. Identifiers: Orphanet 140162, MedGen C0027672, MeSH D009386, MONDO:0015356.
Ataxia-telangiectasia syndrome (AT). Also called: Ataxia-telangiectasia, complementation group D; AT, COMPLEMENTATION GROUP C; ATAXIA-TELANGIECTASIA, COMPLEMENTATION GROUP A; ATAXIA-TELANGIECTASIA, FRESNO VARIANT; Ataxia-telangiectasia; LOUIS-BAR SYNDROME. Identifiers: Orphanet 100, MedGen C0004135, MONDO:0008840, OMIM 208900.

Submissions (3):

Labcorp Genetics (formerly Invitae), Labcorp
Classification: Likely pathogenic for Ataxia-telangiectasia syndrome. Last evaluated: 2025-05-23. Review status: criteria provided, single submitter. Criteria: Invitae Variant Classification Sherloc (09022015). Collection method: clinical testing. Allele origin: germline.
Comment: This sequence change falls in intron 7 of the ATM gene. It does not directly change the encoded amino acid sequence of the ATM protein. RNA analysis indicates that this variant induces altered splicing and may result in an absent or altered protein product. This variant is not present in population databases (gnomAD no frequency). This variant has been observed in individual(s) with ataxia-telangiectasia (PMID: 10980530). This variant is also known as IVS9+3 A>T. ClinVar contains an entry for this variant (Variation ID: 186593). Variants that disrupt the consensus splice site are a relatively common cause of aberrant splicing (PMID: 17576681, 9536098). Studies have shown that this variant results in skipping of exon 7, and produces a non-functional protein and/or introduces a premature termination codon (internal data). In summary, the currently available evidence indicates that the variant is pathogenic, but additional data are needed to prove that conclusively. Therefore, this variant has been classified as Likely Pathogenic.

Ambry Genetics
Classification: Uncertain significance for Hereditary cancer-predisposing syndrome. Last evaluated: 2025-04-16. Review status: criteria provided, single submitter. Criteria: Ambry Variant Classification Scheme 2023. Collection method: clinical testing. Allele origin: germline.
Comment: The c.901+3A>T intronic variant results from an A to T substitution 3 nucleotides after coding exon 6 in the ATM gene. This nucleotide position is well conserved in available vertebrate species. In silico splice site analysis predicts that this alteration will weaken the native splice donor site. RNA studies have demonstrated that this alteration results in a splice defect; the clinical impact of this abnormal splicing is unknown at this time (Ambry internal data). Based on the available evidence, the clinical significance of this variant remains unclear.

Color Diagnostics, LLC DBA Color Health
Classification: Uncertain significance for Hereditary cancer-predisposing syndrome. Last evaluated: 2018-11-19. Review status: criteria provided, single submitter. Criteria: ACMG Guidelines, 2015. Collection method: clinical testing. Allele origin: germline.

Literature cited by the submitters: PubMed 10980530 (cited by Labcorp Genetics (formerly Invitae), Labcorp and Ambry Genetics); PubMed 17576681 (cited by Labcorp Genetics (formerly Invitae), Labcorp); PubMed 9536098 (cited by Labcorp Genetics (formerly Invitae), Labcorp).

NM_000051.4(ATM):c.901+3A>T

Gene: ATM (ATM serine/threonine kinase; plus strand). Cytogenetic location: 11q22.3.
Variant type: single nucleotide variant.
Coding change: c.901+3A>T on transcript NM_000051.4 (MANE Select); 3 bases into the intron after coding-DNA position 901, A replaced by T.
Molecular consequence: intron variant.
Genome position (GRCh38, 1-based): chr11:108,245,029, A>T. VCF-style: chr11-108245029-A-T. GRCh37 (hg19) VCF-style: chr11-108115756-A-T.
Other names: c.901+3A>T (NM_001351834.2).
Identifiers: ClinVar variation 186593 (VCV000186593.12), dbSNP rs786203070, ClinGen allele CA195265.